The following is an entry in ClinVar:

NM_001429.4(EP300):c.4236A>G (p.Ala1412=)

Gene: EP300 (EP300 lysine acetyltransferase; plus strand). Cytogenetic location: 22q13.2.
Variant type: single nucleotide variant.
Coding change: c.4236A>G on transcript NM_001429.4 (MANE Select); coding-DNA position 4236, A replaced by G.
Protein change: p.Ala1412=; no amino-acid change (alanine 1412 retained).
Molecular consequence: synonymous variant.
Genome position (GRCh38, 1-based): chr22:41,169,566, A>G. VCF-style: chr22-41169566-A-G. GRCh37 (hg19) VCF-style: chr22-41565570-A-G.
Other names: c.4158A>G, p.Ala1386= (NM_001362843.2).
Identifiers: ClinVar variation 3357048 (VCV003357048.3).

ClinVar aggregate classification (germline): Benign. Review status: criteria provided, single submitter (1 of 4 stars). 2 submissions from 2 submitters: Benign (1). 1 of the submissions does not count toward it. Last evaluated 2024-08-16.

Conditions:
Rubinstein-Taybi syndrome due to EP300 haploinsufficiency. Also called: EP300-Related Rubinstein-Taybi Syndrome; RUBINSTEIN-TAYBI SYNDROME 2. Identifiers: Orphanet 353284, Orphanet 783, MedGen C3150941, MONDO:0013364, OMIM 613684.
EP300-related disorder. Also called: EP300-related condition; EP300-related disorders.

gnomAD v4.1: 11 of 1,610,386 alleles (0.00068%); highest among the groups gnomAD compares: African/African-American, 0.0067%; no homozygotes.

Submissions (2):

Labcorp Genetics (formerly Invitae), Labcorp
Classification: Benign for Rubinstein-Taybi syndrome due to EP300 haploinsufficiency. Last evaluated: 2024-08-16. Review status: criteria provided, single submitter. Criteria: Invitae Variant Classification Sherloc (09022015). Collection method: clinical testing. Allele origin: germline.

PreventionGenetics, part of Exact Sciences
Classification: Likely benign for EP300-related condition. Last evaluated: 2024-04-16. Review status: no assertion criteria provided. Collection method: clinical testing. Allele origin: germline. Not counted in ClinVar's aggregate classification.
Comment: This variant is classified as likely benign based on ACMG/AMP sequence variant interpretation guidelines (Richards et al. 2015 PMID: 25741868, with internal and published modifications).